The following is an entry in ClinVar:

NM_001367624.2(ZNF469):c.419C>G (p.Pro140Arg)

Gene: ZNF469 (zinc finger protein 469; plus strand). Cytogenetic location: 16q24.2.
Variant type: single nucleotide variant.
Coding change: c.419C>G on transcript NM_001367624.2 (MANE Select); coding-DNA position 419, C replaced by G.
Protein change: p.Pro140Arg; replaces proline 140 with arginine.
Molecular consequence: missense variant.
Genome position (GRCh38, 1-based): chr16:88,427,889, C>G. VCF-style: chr16-88427889-C-G. GRCh37 (hg19) VCF-style: chr16-88494297-C-G.
Other names: NM_001127464.1:c.419C>G; short protein forms P140R.
Identifiers: ClinVar variation 1521578 (VCV001521578.6), dbSNP rs1461017061, ClinGen allele CA397059709.
Genomic context (GRCh38, chr16:88,427,889, plus strand): 5'-ACATTCTGGGCATCGCCAGCTCGAGGACCAAGCCCACCCTGGACGAGACACCAGAGAACC[C>G]ACAGCTGGAGGCTGCCCAGCTCCCTGAGGTGGACACCCCCCAGGGCCCTGGGACTGGAGC-3'
Protein context (NP_001354553.1, residues 130-150): KPTLDETPEN[Pro140Arg]QLEAAQLPEV

ClinVar aggregate classification (germline): Uncertain significance. Review status: criteria provided, multiple submitters, no conflicts (2 of 4 stars). 3 submissions from 3 submitters: Uncertain significance (3). Last evaluated 2025-05-14.

Conditions:
Cardiovascular phenotype. Identifiers: MedGen CN230736.

Allele frequency attached by ClinVar (database versions not stated): gnomAD 0.00001; gnomAD exomes 0.00001; TOPMed 0.00001.
gnomAD v4.1: 14 of 1,549,714 alleles (0.0009%); highest among the groups gnomAD compares: Non-Finnish European, 0.0012%; no homozygotes.

Submissions (3):

Women's Health and Genetics/Laboratory Corporation of America, LabCorp
Classification: Uncertain significance. Last evaluated: 2025-05-14. Review status: criteria provided, single submitter. Criteria: LabCorp Variant Classification Summary - May 2015. Collection method: clinical testing. Allele origin: germline.
Comment: Variant summary: ZNF469 c.419C>G (p.Pro140Arg) results in a non-conservative amino acid change in the encoded protein sequence. Algorithms developed to predict the effect of missense changes on protein structure and function are either unavailable or do not agree on the potential impact of this missense change. The variant was absent in 146670 control chromosomes. The available data on variant occurrences in the general population are insufficient to allow any conclusion about variant significance. To our knowledge, no occurrence of c.419C>G in individuals affected with Brittle cornea syndrome 1 and no experimental evidence demonstrating its impact on protein function have been reported. ClinVar contains an entry for this variant (Variation ID: 1521578). Based on the evidence outlined above, the variant was classified as uncertain significance.

Ambry Genetics
Classification: Uncertain significance for Cardiovascular phenotype. Last evaluated: 2022-09-08. Review status: criteria provided, single submitter. Criteria: Ambry Variant Classification Scheme 2023. Collection method: clinical testing. Allele origin: germline.
Comment: The p.P140R variant (also known as c.419C>G), located in coding exon 1 of the ZNF469 gene, results from a C to G substitution at nucleotide position 419. The proline at codon 140 is replaced by arginine, an amino acid with dissimilar properties. This amino acid position is not well conserved in available vertebrate species. In addition, this alteration is predicted to be tolerated by in silico analysis. Since supporting evidence is limited at this time, the clinical significance of this alteration remains unclear.

Labcorp Genetics (formerly Invitae), Labcorp
Classification: Uncertain significance. Last evaluated: 2021-11-12. Review status: criteria provided, single submitter. Criteria: Invitae Variant Classification Sherloc (09022015). Collection method: clinical testing. Allele origin: germline.
Comment: This sequence change replaces proline, which is neutral and non-polar, with arginine, which is basic and polar, at codon 140 of the ZNF469 protein (p.Pro140Arg). This variant is not present in population databases (gnomAD no frequency). This variant has not been reported in the literature in individuals affected with ZNF469-related conditions. Algorithms developed to predict the effect of missense changes on protein structure and function (SIFT, PolyPhen-2, Align-GVGD) all suggest that this variant is likely to be tolerated. In summary, the available evidence is currently insufficient to determine the role of this variant in disease. Therefore, it has been classified as a Variant of Uncertain Significance.